The following is an entry in ClinVar:

ClinVar aggregate classification (germline): Benign/Likely benign. Review status: criteria provided, multiple submitters, no conflicts (2 of 4 stars). 2 submissions from 2 submitters: Benign (1); Likely benign (1). Last evaluated 2024-11-11.

Conditions:
Parkinson Disease, Dominant/Recessive.

Allele frequency attached by ClinVar (database versions not stated): ESP Exome Variant Server 0.00015; gnomAD 0.00019 and 0.00031; TOPMed 0.00039; ExAC 0.00064; gnomAD exomes 0.00079; 1000 Genomes Project 0.00260; 1000 Genomes Project 30x 0.00265.
gnomAD v4.1: 509 of 1,614,124 alleles (0.032%); highest among the groups gnomAD compares: East Asian, 0.93%; 3 homozygotes.

Submissions (2):

Blueprint Genetics
Classification: Likely benign. Last evaluated: 2024-11-11. Review status: criteria provided, single submitter. Criteria: ACMG Guidelines, 2015. Collection method: clinical testing. Allele origin: germline.

Illumina Laboratory Services, Illumina
Classification: Benign for Parkinson Disease, Dominant/Recessive. Last evaluated: 2018-01-13. Review status: criteria provided, single submitter. Criteria: ICSL Variant Classification Criteria 13 December 2019. Collection method: clinical testing. Allele origin: germline.
Comment: This variant was observed in the ICSL laboratory as part of a predisposition screen in an ostensibly healthy population. It had not been previously curated by ICSL or reported in the Human Gene Mutation Database (HGMD: prior to June 1st, 2018), and was therefore a candidate for classification through an automated scoring system. Utilizing variant allele frequency, disease prevalence and penetrance estimates, and inheritance mode, an automated score was calculated to assess if this variant is too frequent to cause the disease. Based on the score and internal cut-off values, a variant classified as benign is not then subjected to further curation. The score for this variant resulted in a classification of benign for this disease.

NM_005460.4(SNCAIP):c.417G>A (p.Ser139=)

Gene: SNCAIP (synuclein alpha interacting protein; plus strand). Cytogenetic location: 5q23.2.
Variant type: single nucleotide variant.
Coding change: c.417G>A on transcript NM_005460.4 (MANE Select); coding-DNA position 417, G replaced by A.
Protein change: p.Ser139=; no amino-acid change (serine 139 retained).
Molecular consequence: synonymous variant. On other transcripts: non-coding transcript variant (1), intron variant (5).
Genome position (GRCh38, 1-based): chr5:122,423,154, G>A. VCF-style: chr5-122423154-G-A. GRCh37 (hg19) VCF-style: chr5-121758849-G-A.
Other names: c.558G>A, p.Ser186= (NM_001308100.2); c.417G>A, p.Ser139= (NM_001308105.1); c.85-8815G>A (NM_001242935.3, NM_001308107.2); c.85-17475G>A (NM_001308109.2); c.79-8815G>A (NM_001308106.1); c.85-2198G>A (NM_001308108.1).
Identifiers: ClinVar variation 905253 (VCV000905253.5), dbSNP rs79757283, ClinGen allele CA3384644.